The following is an entry in ClinVar:

ClinVar aggregate classification (germline): Uncertain significance. Review status: criteria provided, multiple submitters, no conflicts (2 of 4 stars). 3 submissions from 3 submitters: Uncertain significance (3). Last evaluated 2025-01-23.

Conditions:
Hereditary cancer-predisposing syndrome. Also called: Tumor predisposition; Neoplastic Syndromes, Hereditary; Hereditary Cancer Syndrome; Hereditary neoplastic syndrome. Identifiers: Orphanet 140162, MedGen C0027672, MeSH D009386, MONDO:0015356.
Tuberous sclerosis 2 (TSC2). Identifiers: Orphanet 805, MedGen C1860707, MONDO:0013199, OMIM 613254.

Allele frequency attached by ClinVar (database versions not stated): gnomAD exomes below 0.00001; TOPMed below 0.00001.
gnomAD v4.1: 1 of 1,613,116 alleles (0.000062%); highest among the groups gnomAD compares: Non-Finnish European, 0.000085%; no homozygotes.

Submissions (3):

Labcorp Genetics (formerly Invitae), Labcorp
Classification: Uncertain significance for Tuberous sclerosis 2. Last evaluated: 2025-01-23. Review status: criteria provided, single submitter. Criteria: Invitae Variant Classification Sherloc (09022015). Collection method: clinical testing. Allele origin: germline.
Comment: This sequence change replaces proline, which is neutral and non-polar, with threonine, which is neutral and polar, at codon 952 of the TSC2 protein (p.Pro952Thr). This variant is not present in population databases (gnomAD no frequency). This variant has not been reported in the literature in individuals affected with TSC2-related conditions. ClinVar contains an entry for this variant (Variation ID: 486683). Invitae Evidence Modeling of protein sequence and biophysical properties (such as structural, functional, and spatial information, amino acid conservation, physicochemical variation, residue mobility, and thermodynamic stability) indicates that this missense variant is not expected to disrupt TSC2 protein function with a negative predictive value of 95%. In summary, the available evidence is currently insufficient to determine the role of this variant in disease. Therefore, it has been classified as a Variant of Uncertain Significance.

Ambry Genetics
Classification: Uncertain significance for Hereditary cancer-predisposing syndrome. Last evaluated: 2022-05-06. Review status: criteria provided, single submitter. Criteria: Ambry Variant Classification Scheme 2023. Collection method: clinical testing. Allele origin: germline.
Comment: The p.P952T variant (also known as c.2854C>A), located in coding exon 25 of the TSC2 gene, results from a C to A substitution at nucleotide position 2854. The proline at codon 952 is replaced by threonine, an amino acid with highly similar properties. This amino acid position is not well conserved in available vertebrate species. In addition, the in silico prediction for this alteration is inconclusive. Since supporting evidence is limited at this time, the clinical significance of this alteration remains unclear.

Genome-Nilou Lab
Classification: Uncertain significance for Tuberous sclerosis 2. Last evaluated: 2021-11-07. Review status: criteria provided, single submitter. Criteria: ACMG Guidelines, 2015. Collection method: clinical testing. Allele origin: germline. Affected: no.

NM_000548.5(TSC2):c.2854C>A (p.Pro952Thr)

Gene: TSC2 (TSC complex subunit 2; plus strand). Cytogenetic location: 16p13.3.
Variant type: single nucleotide variant.
Coding change: c.2854C>A on transcript NM_000548.5 (MANE Select); coding-DNA position 2854, C replaced by A.
Protein change: p.Pro952Thr; replaces proline 952 with threonine.
Molecular consequence: missense variant. On other transcripts: intron variant (9).
Genome position (GRCh38, 1-based): chr16:2,077,614, C>A. VCF-style: chr16-2077614-C-A. GRCh37 (hg19) VCF-style: chr16-2127615-C-A.
Other names: c.2854C>A, p.Pro952Thr (NM_001114382.3); c.2837+1029C>A (NM_021055.3, NM_001370405.1, NM_001363528.2 and 2 more transcripts); c.2726+1029C>A (NM_001318827.2); c.2237+1029C>A (NM_001318831.2); c.2690+1029C>A (NM_001318829.2); c.2870+1029C>A (NM_001318832.2); short protein forms P952T.
Identifiers: ClinVar variation 486683 (VCV000486683.17), dbSNP rs745456980, ClinGen allele CA394280811.
Genomic context (GRCh38, chr16:2,077,614, plus strand): 5'-AGCTGGGCTCTCTGGGGCGTTGGGGCTCCTTCCTCACCCGATAGTCTGAGGATAGCCAGA[C>A]CCCCCAAACAAGGCTTGAATAACTCTCCACCCGTGAAAGAATTCAAGGAGAGCTCTGCAG-3'
Protein context (NP_000539.2, residues 942-962): ERPKSLRIAR[Pro952Thr]PKQGLNNSPP